The following is an entry in ClinVar:

NM_000179.3(MSH6):c.2751C>G (p.Asp917Glu)

Gene: MSH6 (mutS homolog 6; plus strand). Cytogenetic location: 2p16.3.
Variant type: single nucleotide variant.
Coding change: c.2751C>G on transcript NM_000179.3 (MANE Select); coding-DNA position 2751, C replaced by G.
Protein change: p.Asp917Glu; replaces aspartic acid 917 with glutamic acid.
Molecular consequence: missense variant.
Genome position (GRCh38, 1-based): chr2:47,800,734, C>G. VCF-style: chr2-47800734-C-G. GRCh37 (hg19) VCF-style: chr2-48027873-C-G.
Other names: c.2361C>G, p.Asp787Glu (NM_001281492.2); c.1845C>G, p.Asp615Glu (NM_001281493.2, NM_001281494.2, NM_001406811.1 and 6 more transcripts); c.2847C>G, p.Asp949Glu (NM_001406795.1, NM_001406802.1); c.2751C>G, p.Asp917Glu (NM_001406796.1, NM_001406798.1, NM_001406800.1 and 2 more transcripts); c.2454C>G, p.Asp818Glu (NM_001406797.1, NM_001406801.1, NM_001406805.1 and 10 more transcripts); c.2226C>G, p.Asp742Glu (NM_001406799.1, NM_001406806.1, NM_001406807.1); c.2673C>G, p.Asp891Glu (NM_001406804.1); c.2757C>G, p.Asp919Glu (NM_001406813.1); and 2 more; short protein forms D232E, D615E, D861E, D891E, D917E, D949E, D787E, D742E.
Identifiers: ClinVar variation 1795568 (VCV001795568.2), dbSNP rs753967199, ClinGen allele CA069586.

ClinVar aggregate classification (germline): Uncertain significance (1 of 4 stars; one submission).

Conditions:
Hereditary cancer-predisposing syndrome. Also called: Tumor predisposition; Hereditary Cancer Syndrome; Neoplastic Syndromes, Hereditary; Hereditary neoplastic syndrome. Identifiers: Orphanet 140162, MedGen C0027672, MeSH D009386, MONDO:0015356.

Allele frequency attached by ClinVar (database versions not stated): ExAC 0.00001.

Submission:

Ambry Genetics
Classification: Uncertain significance for Hereditary cancer-predisposing syndrome. Last evaluated: 2018-05-22. Review status: criteria provided, single submitter. Criteria: Ambry Variant Classification Scheme 2023. Collection method: clinical testing. Allele origin: germline.
Comment: The p.D917E variant (also known as c.2751C>G), located in coding exon 4 of the MSH6 gene, results from a C to G substitution at nucleotide position 2751. The aspartic acid at codon 917 is replaced by glutamic acid, an amino acid with highly similar properties. This amino acid position is highly conserved in available vertebrate species. In addition, this alteration is predicted to be deleterious by in silico analysis. In addition, the CoDP in silico tool predicts this alteration to have minor impact on molecular function, with a score of 0.095 (Terui H et al. J. Biomed. Sci. 2013 Apr;20:25). Since supporting evidence is limited at this time, the clinical significance of this alteration remains unclear.